The following is an entry in ClinVar:

NM_021076.4(NEFH):c.1876G>A (p.Ala626Thr)

Gene: NEFH (neurofilament heavy chain; plus strand). Cytogenetic location: 22q12.2.
Variant type: single nucleotide variant.
Coding change: c.1876G>A on transcript NM_021076.4 (MANE Select); coding-DNA position 1876, G replaced by A.
Protein change: p.Ala626Thr; replaces alanine 626 with threonine.
Molecular consequence: missense variant.
Genome position (GRCh38, 1-based): chr22:29,489,516, G>A. VCF-style: chr22-29489516-G-A. GRCh37 (hg19) VCF-style: chr22-29885505-G-A.
Other names: short protein forms A626T.
Identifiers: ClinVar variation 2103219 (VCV002103219.4), dbSNP rs1602972638, ClinGen allele CA411132224.

ClinVar aggregate classification (germline): Uncertain significance (1 of 4 stars; one submission).

Submission:

Labcorp Genetics (formerly Invitae), Labcorp
Classification: Uncertain significance. Last evaluated: 2022-02-25. Review status: criteria provided, single submitter. Criteria: Invitae Variant Classification Sherloc (09022015). Collection method: clinical testing. Allele origin: germline.
Comment: Advanced modeling of protein sequence and biophysical properties (such as structural, functional, and spatial information, amino acid conservation, physicochemical variation, residue mobility, and thermodynamic stability) performed at Invitae indicates that this missense variant is not expected to disrupt NEFH protein function. In summary, the available evidence is currently insufficient to determine the role of this variant in disease. Therefore, it has been classified as a Variant of Uncertain Significance. This sequence change replaces alanine, which is neutral and non-polar, with threonine, which is neutral and polar, at codon 626 of the NEFH protein (p.Ala626Thr). This variant is not present in population databases (gnomAD no frequency). This variant has not been reported in the literature in individuals affected with NEFH-related conditions.